The following is an entry in ClinVar:

NM_001276270.2(MBD4):c.1556C>T (p.Thr519Ile)

Gene: MBD4 (methyl-CpG binding domain 4, DNA glycosylase; minus strand). Cytogenetic location: 3q21.3.
Variant type: single nucleotide variant.
Coding change: c.1556C>T on transcript NM_001276270.2 (MANE Select); coding-DNA position 1556, C replaced by T.
Protein change: p.Thr519Ile; replaces threonine 519 with isoleucine.
Molecular consequence: missense variant.
Genome position (GRCh38, 1-based): chr3:129,432,594, G>A on the plus strand (C>T on the coding strand, the complement: MBD4 is on the minus strand). VCF-style: chr3-129432594-G-A. GRCh37 (hg19) VCF-style: chr3-129151437-G-A.
Other names: c.1574C>T, p.Thr525Ile (NM_003925.3, NM_001276271.2, NM_001276272.2); c.620C>T, p.Thr207Ile (NM_001276273.2); short protein forms T207I, T525I, T519I.
Identifiers: ClinVar variation 3660917 (VCV003660917.2).

ClinVar aggregate classification (germline): Uncertain significance (1 of 4 stars; one submission).

Submission:

Labcorp Genetics (formerly Invitae), Labcorp
Classification: Uncertain significance. Last evaluated: 2024-07-30. Review status: criteria provided, single submitter. Criteria: Invitae Variant Classification Sherloc (09022015). Collection method: clinical testing. Allele origin: germline.
Comment: This sequence change replaces threonine, which is neutral and polar, with isoleucine, which is neutral and non-polar, at codon 525 of the MBD4 protein (p.Thr525Ile). This variant is not present in population databases (gnomAD no frequency). This variant has not been reported in the literature in individuals affected with MBD4-related conditions. An algorithm developed to predict the effect of missense changes on protein structure and function (PolyPhen-2) suggests that this variant is likely to be disruptive. In summary, the available evidence is currently insufficient to determine the role of this variant in disease. Therefore, it has been classified as a Variant of Uncertain Significance.